The following is an entry in ClinVar:

NC_000019.9:g.(?_54629883)_(54630012_?)del

Gene: PRPF31 (pre-mRNA processing factor 31; plus strand). Cytogenetic location: 19q13.42.
Variant type: Deletion.
Identifiers: ClinVar variation 1458117 (VCV001458117.6).

ClinVar aggregate classification (germline): Pathogenic (1 of 4 stars; one submission).

Submission:

Labcorp Genetics (formerly Invitae), Labcorp
Classification: Pathogenic. Last evaluated: 2023-10-03. Review status: criteria provided, single submitter. Criteria: Invitae Variant Classification Sherloc (09022015). Collection method: clinical testing. Allele origin: germline.
Comment: This variant is a gross deletion of the genomic region encompassing exon(s) 9 of the PRPF31 gene. This variant would be expected to be in-frame, preserving the integrity of the reading frame. A similar copy number variant has been observed in individual(s) with autosomal dominant retinitis pigmentosa (PMID: 29847639). It has also been observed to segregate with disease in related individuals. This variant disrupts the p.Cys299 amino acid residue in PRPF31. Other variant(s) that disrupt this residue have been determined to be pathogenic (PMID: 16799052, 23288994). This suggests that this residue is clinically significant, and that variants that disrupt this residue are likely to be disease-causing. For these reasons, this variant has been classified as Pathogenic.

Literature cited by the submitters: PubMed 29847639; PubMed 16799052; PubMed 23288994.